The following is an entry in ClinVar:

ClinVar aggregate classification (germline): Likely benign. Review status: criteria provided, multiple submitters, no conflicts (2 of 4 stars). 4 submissions from 4 submitters: Likely benign (4). Last evaluated 2026-03-24.

Conditions:
Cardiovascular phenotype. Identifiers: MedGen CN230736.
Primary familial hypertrophic cardiomyopathy (HCM). Identifiers: Orphanet 99739, MedGen C0949658, MeSH D024741, MONDO:0024573. Inheritance: Various modes of inheritance.
Dilated cardiomyopathy 1AA (CMD1AA). Also called: CARDIOMYOPATHY, DILATED, 1AA, WITH OR WITHOUT LEFT VENTRICULAR NONCOMPACTION; CARDIOMYOPATHY, FAMILIAL HYPERTROPHIC, 23, WITH OR WITHOUT LEFT VENTRICULAR NONCOMPACTION; Cardiomyopathy, dilated, 1AA, with or without LVNC. Identifiers: Orphanet 154, MedGen C2677338, MONDO:0012808, OMIM 612158.
ACTN2-related disorder. Also called: ACTN2 related condition; ACTN2-related disorders.

Allele frequency attached by ClinVar (database versions not stated): gnomAD 0.00001; gnomAD exomes 0.00001 and 0.00004; TOPMed 0.00001; ExAC 0.00002.
gnomAD v4.1: 13 of 1,614,012 alleles (0.00081%); highest among the groups gnomAD compares: Admixed American, 0.02%; no homozygotes.

Submissions (4):

PreventionGenetics, part of Exact Sciences
Classification: Likely benign for ACTN2-related condition. Last evaluated: 2026-03-24. Review status: criteria provided, single submitter. Criteria: ACMG Guidelines, 2015. Collection method: clinical testing. Allele origin: germline.
Comment: This variant is classified as likely benign based on ACMG/AMP sequence variant interpretation guidelines (Richards et al. 2015 PMID: 25741868, with internal and published modifications).

Mayo Clinic Laboratories, Mayo Clinic
Classification: Likely benign. Last evaluated: 2025-06-02. Review status: criteria provided, single submitter. Criteria: ACMG Guidelines, 2015. Collection method: clinical testing. Allele origin: germline. Observed: 1 variant allele.
Comment: BP4, BP7

Labcorp Genetics (formerly Invitae), Labcorp
Classification: Likely benign for Primary familial hypertrophic cardiomyopathy; Dilated cardiomyopathy 1AA. Last evaluated: 2025-04-23. Review status: criteria provided, single submitter. Criteria: Invitae Variant Classification Sherloc (09022015). Collection method: clinical testing. Allele origin: germline.

Ambry Genetics
Classification: Likely benign for Cardiovascular phenotype. Last evaluated: 2024-04-23. Review status: criteria provided, single submitter. Criteria: Ambry Variant Classification Scheme 2023. Collection method: clinical testing. Allele origin: germline.

NM_001103.4(ACTN2):c.564C>T (p.Ala188=)

Gene: ACTN2 (actinin alpha 2; plus strand). Cytogenetic location: 1q43.
Variant type: single nucleotide variant.
Coding change: c.564C>T on transcript NM_001103.4 (MANE Select); coding-DNA position 564, C replaced by T.
Protein change: p.Ala188=; no amino-acid change (alanine 188 retained).
Molecular consequence: synonymous variant. On other transcripts: 5 prime UTR variant (1).
Genome position (GRCh38, 1-based): chr1:236,727,705, C>T. VCF-style: chr1-236727705-C-T. GRCh37 (hg19) VCF-style: chr1-236891005-C-T.
Other names: p.Ala188=; c.564C>T, p.Ala188= (NM_001278343.2); c.-258C>T (NM_001278344.2); c.564C>T (NM_001103.2).
Identifiers: ClinVar variation 704595 (VCV000704595.14), dbSNP rs769536954, ClinGen allele CA1472837.